The following is an entry in ClinVar:

ClinVar aggregate classification (germline): Likely benign (1 of 4 stars; one submission).

Allele frequency attached by ClinVar (database versions not stated): gnomAD 0.00537 and 0.00582; 1000 Genomes Project 0.00539; 1000 Genomes Project 30x 0.00593; TOPMed 0.00624.
gnomAD v4.1: 812 of 152,300 alleles (0.53%); highest among the groups gnomAD compares: African/African-American, 1.5%; 6 homozygotes.

Submission:

GeneDx
Classification: Likely benign. Last evaluated: 2018-06-19. Review status: criteria provided, single submitter. Criteria: GeneDx Variant Classification (06012015). Collection method: clinical testing. Allele origin: germline. Affected: yes.
Comment: This variant is considered likely benign or benign based on one or more of the following criteria: it is a conservative change, it occurs at a poorly conserved position in the protein, it is predicted to be benign by multiple in silico algorithms, and/or has population frequency not consistent with disease.

NM_000548.5(TSC2):c.1839+248C>T

Gene: TSC2 (TSC complex subunit 2; plus strand). Cytogenetic location: 16p13.3.
Variant type: single nucleotide variant.
Coding change: c.1839+248C>T on transcript NM_000548.5 (MANE Select); 248 bases into the intron after coding-DNA position 1839, C replaced by T.
Molecular consequence: intron variant.
Genome position (GRCh38, 1-based): chr16:2,070,826, C>T. VCF-style: chr16-2070826-C-T. GRCh37 (hg19) VCF-style: chr16-2120827-C-T.
Other names: c.1839+248C>T (NM_001114382.3, NM_021055.3, NM_001370405.1 and 3 more transcripts); c.1728+248C>T (NM_001318827.2); c.1239+248C>T (NM_001318831.2); c.1692+248C>T (NM_001318829.2); c.1872+248C>T (NM_001318832.2).
Identifiers: ClinVar variation 677608 (VCV000677608.1), dbSNP rs142694430, ClinGen allele CA276736267.